The following is an entry in ClinVar:

ClinVar aggregate classification (germline): Uncertain significance. Review status: criteria provided, single submitter (1 of 4 stars). 2 submissions from 2 submitters: Uncertain significance (1). 1 of the submissions does not count toward it. Last evaluated 2023-09-08.

Conditions:
Hypokalemic periodic paralysis, type 1. Also called: Hypokalemic Periodic Paralysis Type 1 (AD); HypoPP. Identifiers: Orphanet 681, MedGen C3714580, MONDO:0042979, OMIM 170400.
Malignant hyperthermia, susceptibility to, 5 (MHS5). Also called: CACNA1S-Related Malignant Hyperthermia Susceptibility. Identifiers: Orphanet 423, MedGen C1866077, MONDO:0011163, OMIM 601887.

Submissions (2):

Labcorp Genetics (formerly Invitae), Labcorp
Classification: Uncertain significance for Hypokalemic periodic paralysis, type 1; Malignant hyperthermia, susceptibility to, 5. Last evaluated: 2023-09-08. Review status: criteria provided, single submitter. Criteria: Invitae Variant Classification Sherloc (09022015). Collection method: clinical testing. Allele origin: germline.
Comment: This sequence change replaces aspartic acid, which is acidic and polar, with glycine, which is neutral and non-polar, at codon 1082 of the CACNA1S protein (p.Asp1082Gly). This variant is not present in population databases (gnomAD no frequency). This variant has not been reported in the literature in individuals affected with CACNA1S-related conditions. ClinVar contains an entry for this variant (Variation ID: 591217). Advanced modeling of protein sequence and biophysical properties (such as structural, functional, and spatial information, amino acid conservation, physicochemical variation, residue mobility, and thermodynamic stability) has been performed at Invitae for this missense variant, however the output from this modeling did not meet the statistical confidence thresholds required to predict the impact of this variant on CACNA1S protein function. Algorithms developed to predict the effect of sequence changes on RNA splicing suggest that this variant may create or strengthen a splice site. In summary, the available evidence is currently insufficient to determine the role of this variant in disease. Therefore, it has been classified as a Variant of Uncertain Significance.

Gharavi Laboratory, Columbia University
Classification: Uncertain significance. Last evaluated: 2018-09-16. Review status: no assertion criteria provided. Criteria: ACMG Guidelines, 2015. Collection method: research. Allele origin: germline. Affected: yes. Not counted in ClinVar's aggregate classification.

NM_000069.3(CACNA1S):c.3245A>G (p.Asp1082Gly)

Gene: CACNA1S (calcium voltage-gated channel subunit alpha1 S; minus strand). Cytogenetic location: 1q32.1.
Variant type: single nucleotide variant.
Coding change: c.3245A>G on transcript NM_000069.3 (MANE Select); coding-DNA position 3245, A replaced by G.
Protein change: p.Asp1082Gly; replaces aspartic acid 1082 with glycine.
Molecular consequence: missense variant.
Genome position (GRCh38, 1-based): chr1:201,061,277, T>C on the plus strand (A>G on the coding strand, the complement: CACNA1S is on the minus strand). VCF-style: chr1-201061277-T-C. GRCh37 (hg19) VCF-style: chr1-201030405-T-C.
Other names: short protein forms D1082G.
Identifiers: ClinVar variation 591217 (VCV000591217.4), dbSNP rs1558062219, ClinGen allele CA344161483.